The following is an entry in ClinVar:

NM_198253.3(TERT):c.892_893delinsAA (p.Ser298Asn)

Gene: TERT (telomerase reverse transcriptase; minus strand). Cytogenetic location: 5p15.33.
Variant type: Indel.
Coding change: c.892_893delinsAA on transcript NM_198253.3 (MANE Select); coding-DNA positions 892 to 893, TC replaced by AA.
Protein change: p.Ser298Asn; replaces serine 298 with asparagine.
Molecular consequence: missense variant. On other transcripts: non-coding transcript variant (2).
Genome position (GRCh38, 1-based): chr5:1,293,993-1,293,994, GA replaced by TT on the plus strand (TC replaced by AA on the coding strand, the reverse complement: TERT is on the minus strand). VCF-style: chr5-1293993-GA-TT. GRCh37 (hg19) VCF-style: chr5-1294108-GA-TT.
Other names: c.892_893delTCinsAA (NM_198253.2); c.892_893delinsAA, p.Ser298Asn (NM_001193376.3); short protein forms S298N.
Identifiers: ClinVar variation 654543 (VCV000654543.11), dbSNP rs1579597416, ClinGen allele CA915943232.
Genomic context (GRCh38, chr5:1,293,993, plus strand): 5'-TCCCAGGGACGTGGTGGCCGCGATGTGGATGGGGGGCCCGCGTGGTGCTGGCGGCCCACG[GA>TT]TGGGTGGGAGTGGCGCGTGCCAGAGAGCGCACCCTCCAAAGAGGTGGCTTCTTCGGCGGG-3'
Protein context (NP_937983.2, residues 288-308): ALSGTRHSHP[Ser298Asn]VGRQHHAGPP

ClinVar aggregate classification (germline): Uncertain significance. Review status: criteria provided, multiple submitters, no conflicts (2 of 4 stars). 2 submissions from 2 submitters: Uncertain significance (2). Last evaluated 2025-03-17.

Conditions:
Dyskeratosis congenita. Identifiers: Orphanet 1775, MedGen C0265965, MONDO:0015780.
Idiopathic Pulmonary Fibrosis. Also called: Idiopathic fibrosing alveolitis, chronic form; idiopathic fibrosing alveolitis. Identifiers: Orphanet 2032, MedGen C1800706, MeSH D054990, MONDO:0800504.
Dyskeratosis congenita, autosomal dominant 2. Identifiers: MedGen C3151443, MONDO:0013521, OMIM 613989.

Submissions (2):

Ambry Genetics
Classification: Uncertain significance for Dyskeratosis congenita. Last evaluated: 2025-03-17. Review status: criteria provided, single submitter. Criteria: Ambry Variant Classification Scheme 2023. Collection method: clinical testing. Allele origin: germline.
Comment: The c.892_893delTCinsAA variant (also known as p.S298N), located in coding exon 2 of the TERT gene, results from an in-frame deletion of TC and insertion of AA at nucleotide positions 892 to 893. This results in the substitution of the serine residue for an asparagine residue at codon 298, an amino acid with highly similar properties. This amino acid position is not well conserved in available vertebrate species. Based on the available evidence, the clinical significance of this variant remains unclear.

Labcorp Genetics (formerly Invitae), Labcorp
Classification: Uncertain significance for Dyskeratosis congenita, autosomal dominant 2; Idiopathic Pulmonary Fibrosis. Last evaluated: 2024-11-14. Review status: criteria provided, single submitter. Criteria: Invitae Variant Classification Sherloc (09022015). Collection method: clinical testing. Allele origin: germline.
Comment: This sequence change replaces serine, which is neutral and polar, with asparagine, which is neutral and polar, at codon 298 of the TERT protein (p.Ser298Asn). This variant is present in population databases (no rsID available, gnomAD 0.001%). This variant has not been reported in the literature in individuals affected with TERT-related conditions. ClinVar contains an entry for this variant (Variation ID: 654543). An algorithm developed to predict the effect of missense changes on protein structure and function (PolyPhen-2) suggests that this variant is likely to be tolerated. In summary, the available evidence is currently insufficient to determine the role of this variant in disease. Therefore, it has been classified as a Variant of Uncertain Significance.